The following is an entry in ClinVar:

ClinVar aggregate classification (germline): Uncertain significance. Review status: criteria provided, multiple submitters, no conflicts (2 of 4 stars). 2 submissions from 2 submitters: Uncertain significance (2). Last evaluated 2024-06-12.

Conditions:
Focal segmental glomerulosclerosis 1 (FSGS1). Identifiers: Orphanet 656, MedGen C4551527, MONDO:0011303, OMIM 603278.

gnomAD v4.1: 154 of 1,613,448 alleles (0.0095%); highest among the groups gnomAD compares: Non-Finnish European, 0.011%; no homozygotes.

Submissions (2):

Fulgent Genetics
Classification: Uncertain significance for Focal segmental glomerulosclerosis 1. Last evaluated: 2024-06-12. Review status: criteria provided, single submitter. Criteria: ACMG Guidelines, 2015. Collection method: clinical testing. Allele origin: germline.

Labcorp Genetics (formerly Invitae), Labcorp
Classification: Uncertain significance. Last evaluated: 2024-06-09. Review status: criteria provided, single submitter. Criteria: Invitae Variant Classification Sherloc (09022015). Collection method: clinical testing. Allele origin: germline.
Comment: This sequence change falls in intron 17 of the ACTN4 gene. It does not directly change the encoded amino acid sequence of the ACTN4 protein. It affects a nucleotide within the consensus splice site. This variant is present in population databases (rs376226648, gnomAD 0.008%). This variant has not been reported in the literature in individuals affected with ACTN4-related conditions. Variants that disrupt the consensus splice site are a relatively common cause of aberrant splicing (PMID: 17576681, 9536098). Algorithms developed to predict the effect of sequence changes on RNA splicing suggest that this variant is not likely to affect RNA splicing. In summary, the available evidence is currently insufficient to determine the role of this variant in disease. Therefore, it has been classified as a Variant of Uncertain Significance.

Literature cited by the submitters: PubMed 17576681 (cited by Labcorp Genetics (formerly Invitae), Labcorp); PubMed 9536098 (cited by Labcorp Genetics (formerly Invitae), Labcorp).

NM_004924.6(ACTN4):c.2190+6C>T

Gene: ACTN4 (actinin alpha 4; plus strand). Cytogenetic location: 19q13.2.
Variant type: single nucleotide variant.
Coding change: c.2190+6C>T on transcript NM_004924.6 (MANE Select); 6 bases into the intron after coding-DNA position 2190, C replaced by T.
Molecular consequence: intron variant.
Genome position (GRCh38, 1-based): chr19:38,725,909, C>T. VCF-style: chr19-38725909-C-T. GRCh37 (hg19) VCF-style: chr19-39216549-C-T.
Other names: c.2190+6C>T (NM_001411143.1, NM_001322033.2).
Identifiers: ClinVar variation 3583830 (VCV003583830.3).